The following is an entry in ClinVar:

ClinVar aggregate classification (germline): Pathogenic (1 of 4 stars; one submission).

Conditions:
Familial cancer of breast. Also called: hereditary breast carcinoma; BREAST CANCER, FAMILIAL; Hereditary breast cancer. Identifiers: Orphanet 227535, MedGen C0346153, MONDO:0016419, OMIM 114480. Disease mechanism: loss of function.

Submission:

Labcorp Genetics (formerly Invitae), Labcorp
Classification: Pathogenic for Familial cancer of breast. Last evaluated: 2020-01-06. Review status: criteria provided, single submitter. Criteria: Invitae Variant Classification Sherloc (09022015). Collection method: clinical testing. Allele origin: germline.
Comment: For these reasons, this variant has been classified as Pathogenic. Loss-of-function variants in CHEK2 are known to be pathogenic (PMID: 21876083, 24713400). This variant has not been reported in the literature in individuals with CHEK2-related conditions. This variant is not present in population databases (ExAC no frequency). This sequence change creates a premature translational stop signal (p.Val455Serfs*14) in the CHEK2 gene. It is expected to result in an absent or disrupted protein product.

Literature cited by the submitters: PubMed 21876083; PubMed 24713400.

NM_007194.4(CHEK2):c.1362del (p.Val455fs)

Gene: CHEK2 (checkpoint kinase 2; minus strand). Cytogenetic location: 22q12.1.
Variant type: Deletion.
Coding change: c.1362del on transcript NM_007194.4 (MANE Select); coding-DNA position 1362, one base deleted (A; older notation c.1362delA).
Protein change: p.Val455fs; shifts the reading frame from valine 455.
Molecular consequence: frameshift variant.
Genome position (GRCh38, 1-based): chr22:28,695,140, T deleted on the plus strand (A on the coding strand, the reverse complement: CHEK2 is on the minus strand); the first of 2 consecutive T bases (chr22:28,695,140-28,695,141); deleting either gives the same sequence. VCF-style (leftmost placement, unchanged base first): chr22-28695139-CT-C. GRCh37 (hg19) VCF-style: chr22-29091127-CT-C.
Other names: c.1490delA, p.Val498Serfs (NM_001005735.3); c.698delA, p.Val234Serfs (NM_001257387.3); c.1160delA, p.Val388Serfs (NM_001349956.3); c.1274delA, p.Val426Serfs (NM_145862.3); short protein forms V234fs, V388fs, V426fs, V455fs, V498fs.
Identifiers: ClinVar variation 1069072 (VCV001069072.8), dbSNP rs2145793028, ClinGen allele CA2499226055.